The following is an entry in ClinVar:

NM_000271.5(NPC1):c.1758-22T>C

Gene: NPC1 (NPC intracellular cholesterol transporter 1; minus strand). Cytogenetic location: 18q11.2.
Variant type: single nucleotide variant.
Coding change: c.1758-22T>C on transcript NM_000271.5 (MANE Select); 22 bases into the intron before coding-DNA position 1758, T replaced by C.
Molecular consequence: intron variant.
Genome position (GRCh38, 1-based): chr18:23,545,171, A>G on the plus strand (T>C on the coding strand, the complement: NPC1 is on the minus strand). VCF-style: chr18-23545171-A-G. GRCh37 (hg19) VCF-style: chr18-21125135-A-G.
Other names: p.?.
Identifiers: ClinVar variation 4684280 (VCV004684280.1).

ClinVar aggregate classification (germline): Likely benign (1 of 4 stars; one submission).

gnomAD v4.1: 139 of 1,549,880 alleles (0.009%); highest among the groups gnomAD compares: African/African-American, 0.14%; no homozygotes.

Submission:

Mayo Clinic Laboratories, Mayo Clinic
Classification: Likely benign. Last evaluated: 2025-07-30. Review status: criteria provided, single submitter. Criteria: ACMG Guidelines, 2015. Collection method: clinical testing. Allele origin: germline. Observed: 1 variant allele.
Comment: BS1, BP4, BP7